The following is an entry in ClinVar:

NM_024408.4(NOTCH2):c.6740TCCCAG[3] (p.Pro2250_Ala2251insValPro)

Gene: NOTCH2 (notch receptor 2; minus strand). Cytogenetic location: 1p12.
Variant type: Microsatellite.
Coding change: c.6740TCCCAG[3] on transcript NM_024408.4 (MANE Select); three copies in a row of the 6-base unit TCCCAG starting at c.6740; the reference has two copies in a row; one copy, 6 bases duplicated.
Protein change: p.Pro2250_Ala2251insValPro.
Molecular consequence: inframe insertion.
Genome position (GRCh38, 1-based): chr1:119,915,971-119,915,976, CTGGGA duplicated on the plus strand (TCCCAG on the coding strand, the reverse complement: NOTCH2 is on the minus strand); duplicating any 6 consecutive bases within chr1:119,915,971-119,915,986 gives the same sequence; the position shown is the placement nearest the transcript's 3' end. VCF-style (leftmost placement, unchanged base first): chr1-119915970-G-GCTGGGA. GRCh37 (hg19) VCF-style: chr1-120458593-G-GCTGGGA.
Identifiers: ClinVar variation 4734887 (VCV004734887.1).

ClinVar aggregate classification (germline): Uncertain significance (1 of 4 stars; one submission).

Conditions:
Hajdu-Cheney syndrome (HJCYS). Also called: SERPENTINE FIBULA-POLYCYSTIC KIDNEY SYNDROME; ACROOSTEOLYSIS WITH OSTEOPOROSIS AND CHANGES IN SKULL AND MANDIBLE; Acroosteolysis dominant type. Identifiers: Orphanet 955, MedGen C0917715, MONDO:0007057, OMIM 102500.

Submission:

Labcorp Genetics (formerly Invitae), Labcorp
Classification: Uncertain significance for Hajdu-Cheney syndrome. Last evaluated: 2026-01-07. Review status: criteria provided, single submitter. Criteria: Invitae Variant Classification Sherloc (09022015). Collection method: clinical testing. Allele origin: germline.
Comment: This variant, c.6746_6751dup, results in the insertion of 2 amino acid(s) of the NOTCH2 protein (p.Val2249_Pro2250dup), but otherwise preserves the integrity of the reading frame. This variant is not present in population databases (gnomAD no frequency). This variant has not been reported in the literature in individuals affected with NOTCH2-related conditions. In summary, the available evidence is currently insufficient to determine the role of this variant in disease. Therefore, it has been classified as a Variant of Uncertain Significance.